The following is an entry in ClinVar:

NM_002693.3(POLG):c.2391_2393del (p.Met797del)

Gene: POLG (DNA polymerase gamma, catalytic subunit; minus strand). Cytogenetic location: 15q26.1.
Variant type: Deletion.
Coding change: c.2391_2393del on transcript NM_002693.3 (MANE Select); coding-DNA positions 2391 to 2393, 3 bases deleted (GAT; older notation c.2391_2393delGAT).
Protein change: p.Met797del; deletes methionine 797.
Molecular consequence: inframe deletion.
Genome position (GRCh38, 1-based): chr15:89,322,775-89,322,777, ATC deleted on the plus strand (GAT on the coding strand, the reverse complement: POLG is on the minus strand); deleting any 3 consecutive bases within chr15:89,322,775-89,322,779 gives the same sequence; the c. name uses the placement nearest the transcript's 3' end. VCF-style (leftmost placement, unchanged base first): chr15-89322774-AATC-A. GRCh37 (hg19) VCF-style: chr15-89866005-AATC-A.
Other names: c.2391_2393del, p.Met797del (NM_001126131.2); short protein forms M797del.
Identifiers: ClinVar variation 619325 (VCV000619325.1), dbSNP rs1567187766, ClinGen allele CA10602223.

ClinVar aggregate classification (germline): Likely pathogenic (1 of 4 stars; one submission).

Conditions:
Progressive sclerosing poliodystrophy (MTDPS4A). Also called: Alpers-Huttenlocher Syndrome (AHS); Alpers Syndrome; ALPERS PROGRESSIVE INFANTILE POLIODYSTROPHY; Mitochondrial DNA depletion syndrome 4A (Alpers type); ALPERS DIFFUSE DEGENERATION OF CEREBRAL GRAY MATTER WITH HEPATIC CIRRHOSIS; Alpers-Huttenlocher Syndrome. Identifiers: Orphanet 726, MedGen C0205710, MONDO:0008758, OMIM 203700.

Submission:

Wong Mito Lab, Molecular and Human Genetics, Baylor College of Medicine
Classification: Likely pathogenic for Progressive sclerosing poliodystrophy. Last evaluated: 2018-10-01. Review status: criteria provided, single submitter. Criteria: ACMG Guidelines, 2015. Collection method: clinical testing. Allele origin: germline.
Comment: The NM_002693.2:c.2391_2393del (NP_002684.1:p.Met797del) [GRCH38: NC_000015.10:g.89322777_89322779del] variant in POLG gene is interpretated to be a Likely Pathogenic based on ACMG guidelines (PMID: 25741868). This variant meets the following evidence codes reported in the ACMG-guideline. PM2:This variant is absent in key population databases. PM3:Detected in trans with a pathogenic variant for Mitochondrial DNA depletion syndrome 4A (Alpers type) which is a recessive disorder. PP1:This variant is co-segregated with Mitochondrial DNA depletion syndrome 4A (Alpers type) in multiple affected family members. PP2:This is a missense variant in POLG with a low rate of benign and high rate of pathogenic missense variations. PP4:Patient's phenotype or family history is highly specific for POLG. Based on the evidence criteria codes applied, the variant is suggested to be Likely Pathogenic.